The following is an entry in ClinVar:

NM_001267550.2(TTN):c.105057_105059del (p.Tyr35019_Lys35020delinsTer)

Genes: TTN (titin; minus strand), TTN-AS1 (TTN antisense RNA 1; plus strand). Cytogenetic location: 2q31.2.
Variant type: Deletion.
Coding change: c.105057_105059del on transcript NM_001267550.2 (MANE Select); coding-DNA positions 105057 to 105059, 3 bases deleted (CAA; older notation c.105057_105059delCAA).
Protein change: p.Tyr35019_Lys35020delinsTer.
Molecular consequence: nonsense.
Genome position (GRCh38, 1-based): chr2:178,531,556-178,531,558, TTG deleted on the plus strand (CAA on the coding strand, the reverse complement: TTN is on the minus strand); deleting any 3 consecutive bases within chr2:178,531,556-178,531,559 gives the same sequence; the c. name uses the placement nearest the transcript's 3' end. VCF-style (leftmost placement, unchanged base first): chr2-178531555-CTTG-C. GRCh37 (hg19) VCF-style: chr2-179396282-CTTG-C.
Other names: c.100134_100136del, p.Tyr33378_Lys33379delinsTer (NM_001256850.1); c.77862_77864del, p.Tyr25954_Lys25955delinsTer (NM_003319.4); c.97353_97355del, p.Tyr32451_Lys32452delinsTer (NM_133378.4); c.78237_78239del, p.Tyr26079_Lys26080delinsTer (NM_133432.3); c.78438_78440del, p.Tyr26146_Lys26147delinsTer (NM_133437.4); c.77862_77864delCAA (NM_003319.4).
Identifiers: ClinVar variation 3464248 (VCV003464248.2).

ClinVar aggregate classification (germline): Likely pathogenic. Review status: criteria provided, multiple submitters, no conflicts (2 of 4 stars). 2 submissions from 2 submitters: Likely pathogenic (2). Last evaluated 2025-10-28.

Conditions:
Cardiovascular phenotype. Identifiers: MedGen CN230736.
Autosomal recessive limb-girdle muscular dystrophy type 2J (LGMDR10). Also called: MUSCULAR DYSTROPHY, LIMB-GIRDLE, AUTOSOMAL RECESSIVE 10; Limb-girdle muscular dystrophy, type 2J. Identifiers: Orphanet 140922, MedGen C1837342, MONDO:0012127, OMIM 608807.
Dilated cardiomyopathy 1G (CMD1G). Identifiers: Orphanet 154, MedGen C1858763, MONDO:0011400, OMIM 604145.

Submissions (2):

Labcorp Genetics (formerly Invitae), Labcorp
Classification: Likely pathogenic for Dilated cardiomyopathy 1G; Autosomal recessive limb-girdle muscular dystrophy type 2J. Last evaluated: 2025-10-28. Review status: criteria provided, single submitter. Criteria: Invitae Variant Classification Sherloc (09022015). Collection method: clinical testing. Allele origin: germline.
Comment: This sequence change creates a premature translational stop signal (p.Tyr35019*) in the TTN gene. While this is not anticipated to result in nonsense mediated decay, it is expected to create a truncated TTN protein. This variant is not present in population databases (gnomAD no frequency). This variant has not been reported in the literature in individuals affected with TTN-related conditions. ClinVar contains an entry for this variant (Variation ID: 3464248). This variant is located in the M band of TTN (PMID: 25589632). Truncating variants in this region have been previously reported in individuals affected with autosomal dominant or autosomal recessive myopathy and muscular dystrophy (PMID: 18948003, 23975875, 24395473). Truncating variants in this region have also been identified in individuals affected with autosomal dominant dilated cardiomyopathy and/or cardio-related conditions (PMID: 27869827, 32964742, internal data). In summary, the currently available evidence indicates that the variant is pathogenic, but additional data are needed to prove that conclusively. Therefore, this variant has been classified as Likely Pathogenic.

Ambry Genetics
Classification: Likely pathogenic for Cardiovascular phenotype. Last evaluated: 2024-11-13. Review status: criteria provided, single submitter. Criteria: Ambry Variant Classification Scheme 2023. Collection method: clinical testing. Allele origin: germline.
Comment: The c.77862_77864delCAA variant (also known as p.Y25954_K25955delins*) is located in coding exon 185 of the TTN gene. This variant results from an in-frame CAA deletion at nucleotide positions 77862 to 77864. This results in the in-frame deletion of the amino acids at codons 25954 and 25955 and the insertion of a stop codon. This exon is located in the M-band region of the N2-B isoform of the titin protein and is constitutively expressed in TTN transcripts (percent spliced in or PSI 100%). This variant is considered to be rare based on population cohorts in the Genome Aggregation Database (gnomAD). This alteration is expected to result in loss of function by premature protein truncation or nonsense-mediated mRNA decay. While truncating variants in TTN are present in 1-3% of the general population, truncating variants in the M-band have been reported in association with autosomal recessive titinopathies, primarily presenting with skeletal myopathy phenotypes (Ceyhan-Birsoy O et al. Neurology. 2013 Oct 1;81(14):1205-14; De Cid R et al. Neurology. 2015;85(24):2126-35). In addition, regardless of their position, TTN truncating variants encoded in constitutive exons (PSI >90%) have been found to be significantly associated with dilated cardiomyopathy (DCM), though truncating variants in the A-band are the most common cause of DCM (Herman DS et al. N. Engl. J. Med., 2012 Feb;366:619-28; Roberts AM et al. Sci Transl Med, 2015 Jan;7:270ra6; Schafer S et al. Nat. Genet., 2017 01;49:46-53). Based on the majority of available evidence to date, this variant is likely to be pathogenic in association with autosomal recessive titinopathy; however, the clinical significance of this alteration with respect to cardiomyopathy remains unclear.

Literature cited by the submitters: PubMed 25589632 (cited by Labcorp Genetics (formerly Invitae), Labcorp); PubMed 18948003 (cited by Labcorp Genetics (formerly Invitae), Labcorp); PubMed 23975875 (cited by Labcorp Genetics (formerly Invitae), Labcorp); PubMed 24395473 (cited by Labcorp Genetics (formerly Invitae), Labcorp); PubMed 27869827 (cited by Labcorp Genetics (formerly Invitae), Labcorp); PubMed 32964742 (cited by Labcorp Genetics (formerly Invitae), Labcorp).